The following is an entry in ClinVar:

NM_000137.4(FAH):c.961-15G>A

Gene: FAH (fumarylacetoacetate hydrolase; plus strand). Cytogenetic location: 15q25.1.
Variant type: single nucleotide variant.
Coding change: c.961-15G>A on transcript NM_000137.4 (MANE Select); 15 bases into the intron before coding-DNA position 961, G replaced by A.
Molecular consequence: intron variant.
Genome position (GRCh38, 1-based): chr15:80,180,109, G>A. VCF-style: chr15-80180109-G-A. GRCh37 (hg19) VCF-style: chr15-80472451-G-A.
Other names: c.961-15G>A (NM_001374377.1, NM_001374380.1).
Identifiers: ClinVar variation 388746 (VCV000388746.11), dbSNP rs376633948, ClinGen allele CA7691425.
Genomic context (GRCh38, chr15:80,180,109, plus strand): 5'-GCTGTGCCCAGCTGCCTCCGGGATGCTAGGCTAAGCCTGCCGCTGCTCATTCCACCTCGC[G>A]TCCATTGCCTGCAGTACATGTACTGGACGATGCTGCAGCAGCTCACTCACCACTCTGTCA-3'

ClinVar aggregate classification (germline): Likely benign. Review status: criteria provided, multiple submitters, no conflicts (2 of 4 stars). 4 submissions from 4 submitters: Likely benign (4). Last evaluated 2026-02-04.

Conditions:
Tyrosinemia type I (TYRSN1). Also called: FAH DEFICIENCY; HEPATORENAL TYROSINEMIA; Tyrosinemia type 1; Fumarylacetoacetase deficiency; Deficiency of fumarylacetoacetase. Identifiers: Orphanet 882, MedGen C0268490, MONDO:0010161, OMIM 276700. Disease mechanism: loss of function.

Allele frequency attached by ClinVar (database versions not stated): gnomAD 0.00011 and 0.00012; gnomAD exomes 0.00011 and 0.00012; TOPMed 0.00012; ExAC 0.00013; 1000 Genomes Project 0.00020; ESP Exome Variant Server 0.00023; 1000 Genomes Project 30x 0.00031.
gnomAD v4.1: 194 of 1,574,130 alleles (0.012%); highest among the groups gnomAD compares: Middle Eastern, 0.51%; no homozygotes.

Submissions (4):

Labcorp Genetics (formerly Invitae), Labcorp
Classification: Likely benign for Tyrosinemia type I. Last evaluated: 2026-02-04. Review status: criteria provided, single submitter. Criteria: Invitae Variant Classification Sherloc (09022015). Collection method: clinical testing. Allele origin: germline.

Genomic Medicine Center of Excellence, King Faisal Specialist Hospital and Research Centre
Classification: Likely benign. Last evaluated: 2025-08-18. Review status: criteria provided, single submitter. Criteria: ACMG Guidelines, 2015. Collection method: clinical testing. Allele origin: germline.

GeneDx
Classification: Likely benign. Last evaluated: 2017-10-03. Review status: criteria provided, single submitter. Criteria: GeneDx Variant Classification (06012015). Collection method: clinical testing. Allele origin: germline. Affected: yes.
Comment: This variant is considered likely benign or benign based on one or more of the following criteria: it is a conservative change, it occurs at a poorly conserved position in the protein, it is predicted to be benign by multiple in silico algorithms, and/or has population frequency not consistent with disease.

Breakthrough Genomics
Classification: Likely benign. Review status: criteria provided, single submitter. Criteria: ACMG Guidelines, 2015. Collection method: not provided. Allele origin: germline. Inheritance: Autosomal recessive inheritance. Affected: yes.